The following is an entry in ClinVar:

ClinVar aggregate classification (germline): Benign (1 of 4 stars; one submission).

Conditions:
FMN2-related disorder. Also called: FMN2-related condition.

Allele frequency attached by ClinVar (database versions not stated): ExAC 0.00697; gnomAD 0.03427; ESP Exome Variant Server 0.06036; 1000 Genomes Project 0.27456.

Submission:

PreventionGenetics, part of Exact Sciences
Classification: Benign for FMN2-related condition. Last evaluated: 2019-08-08. Review status: criteria provided, single submitter. Criteria: ACMG Guidelines, 2015. Collection method: clinical testing. Allele origin: germline.
Comment: This variant is classified as benign based on ACMG/AMP sequence variant interpretation guidelines (Richards et al. 2015 PMID: 25741868, with internal and published modifications).

NM_020066.5(FMN2):c.2829T>C (p.Pro943=)

Gene: FMN2 (formin 2; plus strand). Cytogenetic location: 1q43.
Variant type: single nucleotide variant.
Coding change: c.2829T>C on transcript NM_020066.5 (MANE Select); coding-DNA position 2829, T replaced by C.
Protein change: p.Pro943=; no amino-acid change (proline 943 retained).
Molecular consequence: synonymous variant. On other transcripts: intron variant (1).
Genome position (GRCh38, 1-based): chr1:240,207,641, T>C. VCF-style: chr1-240207641-T-C. GRCh37 (hg19) VCF-style: chr1-240370941-T-C.
Other names: c.2841T>C, p.Pro947= (NM_001305424.2); c.1986+19379T>C (NM_001348094.2).
Identifiers: ClinVar variation 3056682 (VCV003056682.1), dbSNP rs4997329, ClinGen allele CA1476787.